The following is an entry in ClinVar:

ClinVar aggregate classification (germline): Uncertain significance (1 of 4 stars; one submission).

Conditions:
RASopathy. Also called: Noonan spectrum disorder; rasopathies. Identifiers: Orphanet 536391, MedGen C5555857, MONDO:0021060.

gnomAD v4.1: 1 of 1,613,674 alleles (0.000062%); highest among the groups gnomAD compares: Non-Finnish European, 0.000085%; no homozygotes.

Submission:

Labcorp Genetics (formerly Invitae), Labcorp
Classification: Uncertain significance for RASopathy. Last evaluated: 2025-09-09. Review status: criteria provided, single submitter. Criteria: Invitae Variant Classification Sherloc (09022015). Collection method: clinical testing. Allele origin: germline.
Comment: This sequence change replaces valine, which is neutral and non-polar, with isoleucine, which is neutral and non-polar, at codon 405 of the SHOC2 protein (p.Val405Ile). This variant is not present in population databases (gnomAD no frequency). This variant has not been reported in the literature in individuals affected with SHOC2-related conditions. Invitae Evidence Modeling of protein sequence and biophysical properties (such as structural, functional, and spatial information, amino acid conservation, physicochemical variation, residue mobility, and thermodynamic stability) indicates that this missense variant is not expected to disrupt SHOC2 protein function with a negative predictive value of 80%. In summary, the available evidence is currently insufficient to determine the role of this variant in disease. Therefore, it has been classified as a Variant of Uncertain Significance.

NM_007373.4(SHOC2):c.1213G>A (p.Val405Ile)

Gene: SHOC2 (SHOC2 leucine rich repeat scaffold protein; plus strand). Cytogenetic location: 10q25.2.
Variant type: single nucleotide variant.
Coding change: c.1213G>A on transcript NM_007373.4 (MANE Select); coding-DNA position 1213, G replaced by A.
Protein change: p.Val405Ile; replaces valine 405 with isoleucine.
Molecular consequence: missense variant. On other transcripts: non-coding transcript variant (1).
Genome position (GRCh38, 1-based): chr10:111,007,582, G>A. VCF-style: chr10-111007582-G-A. GRCh37 (hg19) VCF-style: chr10-112767340-G-A.
Other names: c.1075G>A, p.Val359Ile (NM_001269039.3, NM_001441186.1); c.1213G>A, p.Val405Ile (NM_001324336.2, NM_001324337.2, NM_001441184.1 and 2 more transcripts); c.544G>A, p.Val182Ile (NM_001441188.1); c.130G>A, p.Val44Ile (NM_001441189.1, NM_001441190.1, NM_001441191.1); short protein forms V405I, V44I, V359I, V182I.
Identifiers: ClinVar variation 4745409 (VCV004745409.1).
Genomic context (GRCh38, chr10:111,007,582, plus strand): 5'-CTTTGCCAGGACAATCAGTTAACATCACTTCCCTTGGATTTTGGAACTTGGACCAGTATG[G>A]TAGAATTGAATTTAGCCACTAATCAGCTCACAAAGATCCCTGAGGATGTGTCTGGTCTCG-3'
Protein context (NP_031399.2, residues 395-415): PLDFGTWTSM[Val405Ile]ELNLATNQLT